The following is an entry in ClinVar:

ClinVar aggregate classification (germline): Likely benign. Review status: criteria provided, multiple submitters, no conflicts (2 of 4 stars). 2 submissions from 2 submitters: Likely benign (2). Last evaluated 2025-06-22.

gnomAD v4.1: 4 of 1,614,030 alleles (0.00025%); highest among the groups gnomAD compares: Middle Eastern, 0.016%; no homozygotes.

Submissions (2):

Labcorp Genetics (formerly Invitae), Labcorp
Classification: Likely benign. Last evaluated: 2025-06-22. Review status: criteria provided, single submitter. Criteria: Invitae Variant Classification Sherloc (09022015). Collection method: clinical testing. Allele origin: germline.

CeGaT Center for Human Genetics Tuebingen
Classification: Likely benign. Last evaluated: 2024-07-01. Review status: criteria provided, single submitter. Criteria: CeGaT Center For Human Genetics Tuebingen Variant Classification Criteria Version 2. Collection method: clinical testing. Allele origin: germline. Affected: yes. Observed: 1 variant allele.
Comment: DMXL2: BP4, BP7

NM_001378457.1(DMXL2):c.3774G>C (p.Gly1258=)

Gene: DMXL2 (Dmx like 2; minus strand). Cytogenetic location: 15q21.2.
Variant type: single nucleotide variant.
Coding change: c.3774G>C on transcript NM_001378457.1 (MANE Select); coding-DNA position 3774, G replaced by C.
Protein change: p.Gly1258=; no amino-acid change (glycine 1258 retained).
Molecular consequence: synonymous variant. On other transcripts: non-coding transcript variant (2), intron variant (2).
Genome position (GRCh38, 1-based): chr15:51,499,450, C>G on the plus strand (G>C on the coding strand, the complement: DMXL2 is on the minus strand). VCF-style: chr15-51499450-C-G. GRCh37 (hg19) VCF-style: chr15-51791647-C-G.
Other names: c.3774G>C, p.Gly1258= (NM_001174116.3, NM_001378458.1, NM_001378459.1 and 4 more transcripts); c.3534G>C, p.Gly1178= (NM_001378464.1); c.2764+7684G>C (NM_001378460.1); c.2765-4316G>C (NM_001174117.3).
Identifiers: ClinVar variation 3256998 (VCV003256998.18).